The following is an entry in ClinVar:

ClinVar aggregate classification (germline): Uncertain significance (1 of 4 stars; one submission).

Allele frequency attached by ClinVar (database versions not stated): gnomAD exomes below 0.00001; TOPMed below 0.00001.

Submission:

Labcorp Genetics (formerly Invitae), Labcorp
Classification: Uncertain significance. Last evaluated: 2021-09-05. Review status: criteria provided, single submitter. Criteria: Invitae Variant Classification Sherloc (09022015). Collection method: clinical testing. Allele origin: germline.
Comment: This sequence change replaces serine with cysteine at codon 119 of the SPINT2 protein (p.Ser119Cys). The serine residue is highly conserved and there is a moderate physicochemical difference between serine and cysteine. This variant is not present in population databases (ExAC no frequency). In summary, the available evidence is currently insufficient to determine the role of this variant in disease. Therefore, it has been classified as a Variant of Uncertain Significance. Algorithms developed to predict the effect of missense changes on protein structure and function are either unavailable or do not agree on the potential impact of this missense change (SIFT: "Deleterious"; PolyPhen-2: "Possibly Damaging"; Align-GVGD: "Class C15"). This variant has not been reported in the literature in individuals affected with SPINT2-related conditions.

NM_021102.4(SPINT2):c.356C>G (p.Ser119Cys)

Gene: SPINT2 (serine peptidase inhibitor, Kunitz type 2; plus strand). Cytogenetic location: 19q13.2.
Variant type: single nucleotide variant.
Coding change: c.356C>G on transcript NM_021102.4 (MANE Select); coding-DNA position 356, C replaced by G.
Protein change: p.Ser119Cys; replaces serine 119 with cysteine.
Molecular consequence: missense variant.
Genome position (GRCh38, 1-based): chr19:38,289,156, C>G. VCF-style: chr19-38289156-C-G. GRCh37 (hg19) VCF-style: chr19-38779796-C-G.
Other names: c.185C>G, p.Ser62Cys (NM_001166103.2); short protein forms S119C, S62C.
Identifiers: ClinVar variation 1461801 (VCV001461801.6), dbSNP rs1182254805, ClinGen allele CA405632615.
Genomic context (GRCh38, chr19:38,289,156, plus strand): 5'-GTGTCCGGCCCAGCCTCCCTAACACAGATGTTTGTGTTTCAGCTCCCAGAAGGCAGGATT[C>G]TGAAGACCACTCCAGCGATATGTTCAACTATGAAGGTAAAACTCCAAAGAGGCCAGGTGC-3'
Protein context (NP_066925.1, residues 109-129): SVPSAPRRQD[Ser119Cys]EDHSSDMFNY